The following is an entry in ClinVar:

ClinVar aggregate classification (germline): Uncertain significance. Review status: criteria provided, multiple submitters, no conflicts (2 of 4 stars). 6 submissions from 6 submitters: Uncertain significance (6). Last evaluated 2025-10-15.

Conditions:
Hyperphosphatasia with impaired intellectual development syndrome 1. Also called: MABRY SYNDROME; GLYCOSYLPHOSPHATIDYLINOSITOL BIOSYNTHESIS DEFECT 2; Hyperphosphatasia with intellectual disability syndrome 1. Identifiers: Orphanet 247262, MedGen C4551502, MONDO:0009398, OMIM 239300.

Allele frequency attached by ClinVar (database versions not stated): gnomAD exomes 0.00009 and 0.00007; 1000 Genomes Project 0.00040; 1000 Genomes Project 30x 0.00047; gnomAD 0.00007 and 0.00006; ESP Exome Variant Server 0.00008; TOPMed 0.00007; ExAC 0.00011.
gnomAD v4.1: 111 of 1,613,992 alleles (0.0069%); highest among the groups gnomAD compares: Middle Eastern, 0.25%; no homozygotes.

Submissions (6):

GeneDx
Classification: Uncertain significance. Last evaluated: 2025-10-15. Review status: criteria provided, single submitter. Criteria: GeneDx Variant Classification Process June 2021. Collection method: clinical testing. Allele origin: germline. Affected: yes.
Comment: In silico analysis suggests that this missense variant does not alter protein structure/function; Has not been previously published as pathogenic or benign to our knowledge

Labcorp Genetics (formerly Invitae), Labcorp
Classification: Uncertain significance. Last evaluated: 2024-12-09. Review status: criteria provided, single submitter. Criteria: Invitae Variant Classification Sherloc (09022015). Collection method: clinical testing. Allele origin: germline.
Comment: This sequence change replaces arginine, which is basic and polar, with cysteine, which is neutral and slightly polar, at codon 270 of the PIGV protein (p.Arg270Cys). This variant is present in population databases (rs374158705, gnomAD 0.05%). This variant has not been reported in the literature in individuals affected with PIGV-related conditions. ClinVar contains an entry for this variant (Variation ID: 297118). Invitae Evidence Modeling of protein sequence and biophysical properties (such as structural, functional, and spatial information, amino acid conservation, physicochemical variation, residue mobility, and thermodynamic stability) indicates that this missense variant is not expected to disrupt PIGV protein function with a negative predictive value of 95%. In summary, the available evidence is currently insufficient to determine the role of this variant in disease. Therefore, it has been classified as a Variant of Uncertain Significance.

Blueprint Genetics
Classification: Uncertain significance. Last evaluated: 2024-09-11. Review status: criteria provided, single submitter. Criteria: ACMG Guidelines, 2015. Collection method: clinical testing. Allele origin: germline.

Fulgent Genetics
Classification: Uncertain significance for Hyperphosphatasia with impaired intellectual development syndrome 1. Last evaluated: 2024-05-10. Review status: criteria provided, single submitter. Criteria: ACMG Guidelines, 2015. Collection method: clinical testing. Allele origin: germline.

Revvity Omics, Revvity
Classification: Uncertain significance for Hyperphosphatasia with impaired intellectual development syndrome 1. Last evaluated: 2021-01-25. Review status: criteria provided, single submitter. Criteria: ACMG Guidelines, 2015. Collection method: clinical testing. Allele origin: germline.

Illumina Laboratory Services, Illumina
Classification: Uncertain significance for Hyperphosphatasia with impaired intellectual development syndrome 1. Last evaluated: 2018-01-13. Review status: criteria provided, single submitter. Criteria: ICSL Variant Classification Criteria 13 December 2019. Collection method: clinical testing. Allele origin: germline.

NM_017837.4(PIGV):c.808C>T (p.Arg270Cys)

Gene: PIGV (phosphatidylinositol glycan anchor biosynthesis class V; plus strand). Cytogenetic location: 1p36.11.
Variant type: single nucleotide variant.
Coding change: c.808C>T on transcript NM_017837.4 (MANE Select); coding-DNA position 808, C replaced by T.
Protein change: p.Arg270Cys; replaces arginine 270 with cysteine.
Molecular consequence: missense variant. On other transcripts: non-coding transcript variant (1), intron variant (1).
Genome position (GRCh38, 1-based): chr1:26,794,842, C>T. VCF-style: chr1-26794842-C-T. GRCh37 (hg19) VCF-style: chr1-27121333-C-T.
Other names: c.808C>T, p.Arg270Cys (NM_001202554.2, NM_001374478.1, NM_001374480.1 and 2 more transcripts); c.427C>T, p.Arg143Cys (NM_001374483.1); c.181C>T, p.Arg61Cys (NM_001374484.1, NM_001374485.1); c.79-2721C>T (NM_001374486.1); short protein forms R270C, R143C, R61C.
Identifiers: ClinVar variation 297118 (VCV000297118.18), dbSNP rs374158705, ClinGen allele CA708120.
Genomic context (GRCh38, chr1:26,794,842, plus strand): 5'-CTTCCCTTTGCCCTCTTTCAGTATTATGCCTACACCCAATTCTGTCTGCCAGGCTCAGCC[C>T]GCCCCATTCCTGAGCCTTTGGTACAGTTAGCTGTAGACAAGGGCTACCGGATTGCAGAGG-3'
Protein context (NP_060307.2, residues 260-280): YTQFCLPGSA[Arg270Cys]PIPEPLVQLA